The following is an entry in ClinVar:

ClinVar aggregate classification (germline): Likely benign (1 of 4 stars; one submission).

Submission:

CeGaT Center for Human Genetics Tuebingen
Classification: Likely benign. Last evaluated: 2025-10-01. Review status: criteria provided, single submitter. Criteria: CeGaT Center For Human Genetics Tuebingen Variant Classification Criteria Version 2. Collection method: clinical testing. Allele origin: germline. Affected: yes. Observed: 1 variant allele.
Comment: ELOA3BP: PM2:Supporting, BP4, BP7

NM_001387690.1(KATNAL2):c.51+22546C>T

Gene: KATNAL2 (katanin catalytic subunit A1 like 2; plus strand). Cytogenetic location: 18q21.1.
Variant type: single nucleotide variant.
Coding change: c.51+22546C>T on transcript NM_001387690.1 (MANE Select); 22546 bases into the intron after coding-DNA position 51, C replaced by T.
Molecular consequence: intron variant.
Genome position (GRCh38, 1-based): chr18:46,969,469, C>T. VCF-style: chr18-46969469-C-T. GRCh37 (hg19) VCF-style: chr18-44549432-C-T.
Other names: c.-2+22546C>T (NM_001353904.1, NM_001353903.1, NM_001353907.1 and 3 more transcripts); c.129+22546C>T (NM_001353899.1, NM_001353900.1, NM_001353902.1); c.51+22546C>T (NM_001353901.1, NM_001367621.1); c.-295+22546C>T (NM_001353905.1); c.-95+22546C>T (NM_031303.3).
Identifiers: ClinVar variation 4535055 (VCV004535055.6).